The following is an entry in ClinVar:

ClinVar aggregate classification (germline): Benign. Review status: criteria provided, multiple submitters, no conflicts (2 of 4 stars). 2 submissions from 2 submitters: Benign (2). Last evaluated 2016-03-29.

Allele frequency attached by ClinVar (database versions not stated): 1000 Genomes Project 0.24780; gnomAD 0.28938 and 0.29049; ESP Exome Variant Server 0.29894; 1000 Genomes Project 30x 0.24204; TOPMed 0.26943; gnomAD exomes 0.29728; ExAC 0.39025.
gnomAD v4.1: 536,887 of 1,575,464 alleles (34%); highest among the groups gnomAD compares: Non-Finnish European, 37%; 94,726 homozygotes.

Submissions (2):

Laboratory for Molecular Medicine, Mass General Brigham Personalized Medicine
Classification: Benign. Last evaluated: 2016-03-29. Review status: criteria provided, single submitter. Criteria: LMM Criteria. Collection method: clinical testing. Allele origin: germline.
Comment: Variant identified in a genome or exome case(s) and assessed due to predicted null impact of the variant or pathogenic assertions in the literature or databases. Disclaimer: This variant has not undergone full assessment. The following are preliminary notes: MAF

Breakthrough Genomics
Classification: Benign. Review status: criteria provided, single submitter. Criteria: ACMG Guidelines, 2015. Collection method: not provided. Allele origin: germline. Inheritance: Unknown mechanism. Affected: yes.

NC_000019.10:g.7633434C>T

Genes: PCP2 (Purkinje cell protein 2; minus strand), STXBP2 (syntaxin binding protein 2; plus strand). Cytogenetic location: 19p13.2.
Variant type: single nucleotide variant.
Molecular consequence: synonymous variant (on NM_174895.3). On other transcripts: intron variant (1).
Genome position: GRCh38 VCF-style: chr19-7633434-C-T. GRCh37 (hg19) VCF-style: chr19-7698320-C-T.
Other names: c.24G>A, p.Thr8= (NM_174895.3); c.-60+2588C>T (NM_001414484.1).
Identifiers: ClinVar variation 403501 (VCV000403501.6), dbSNP rs1862514, ClinGen allele CA9143074.